The following is an entry in ClinVar:

NM_003907.3(EIF2B5):c.2014C>T (p.Gln672Ter)

Gene: EIF2B5 (eukaryotic translation initiation factor 2B subunit epsilon; plus strand). Cytogenetic location: 3q27.1.
Variant type: single nucleotide variant.
Coding change: c.2014C>T on transcript NM_003907.3 (MANE Select); coding-DNA position 2014, C replaced by T.
Protein change: p.Gln672Ter; replaces glutamine 672 with a stop codon.
Molecular consequence: nonsense.
Genome position (GRCh38, 1-based): chr3:184,144,615, C>T. VCF-style: chr3-184144615-C-T. GRCh37 (hg19) VCF-style: chr3-183862403-C-T.
Other names: short protein forms Q672*.
Identifiers: ClinVar variation 4067119 (VCV004067119.2).

ClinVar aggregate classification (germline): Likely pathogenic (1 of 4 stars; one submission).

Conditions:
Vanishing white matter disease. Also called: CACH syndrome; Childhood ataxia with diffuse central nervous system hypomyelination; Leukoencephalopathy with vanishing white matter; CACH/VWM syndrome; Cree leukoencehalopathy. Identifiers: Orphanet 135, Orphanet 99853, MedGen C1858991, MONDO:0800448.

gnomAD v4.1: 1 of 1,614,096 alleles (0.000062%); highest among the groups gnomAD compares: Non-Finnish European, 0.000085%; no homozygotes.

Submission:

Natera, Inc.
Classification: Likely pathogenic for Leukoencephalopathy with vanishing white matter. Last evaluated: 2025-04-24. Review status: criteria provided, single submitter. Criteria: Natera Variant Classification Schema (03/2026). Collection method: clinical testing. Allele origin: germline.
Comment: The c.2014C>T variant in EIF2B5 is a nonsense variant predicted to introduce a stop codon at amino acid 672. This variant is expected to result in nonsense mediated decay, truncation, or a dysfunctional protein product. This variant is rare in the general population with a frequency below the threshold expected for the associated phenotype(s). Given the available evidence, this variant is classified as Likely Pathogenic.